The following is an entry in ClinVar:

ClinVar aggregate classification (germline): Uncertain significance. Review status: criteria provided, multiple submitters, no conflicts (2 of 4 stars). 3 submissions from 3 submitters: Uncertain significance (3). Last evaluated 2025-05-05.

Conditions:
Junctional epidermolysis bullosa with pyloric atresia. Also called: APLASIA CUTIS CONGENITA WITH GASTROINTESTINAL ATRESIA; CARMI SYNDROME; EB-PA-ACC; ITGB4-Related Epidermolysis Bullosa with Pyloric Atresia; Epidermolysis bullosa, junctional, with pyloric atresia and aplasia cutis congenita; Epidermolysis bullosa junctionalis with pyloric atresia. Identifiers: Orphanet 79403, MedGen C5676875, MONDO:0009183, OMIM 226730.
Epidermolysis bullosa, junctional 5A, intermediate. Also called: EPIDERMOLYSIS BULLOSA, JUNCTIONAL 5A, GENERALIZED INTERMEDIATE; EPIDERMOLYSIS BULLOSA, JUNCTIONAL 5A, NON-HERLITZ TYPE. Identifiers: MedGen C5676956, MONDO:0030768, OMIM 619816.

Allele frequency attached by ClinVar (database versions not stated): 1000 Genomes Project 30x 0.00016; ExAC 0.00008; TOPMed 0.00001; 1000 Genomes Project 0.00020.
gnomAD v4.1: 39 of 1,614,012 alleles (0.0024%); highest among the groups gnomAD compares: South Asian, 0.03%; no homozygotes.

Submissions (3):

GeneDx
Classification: Uncertain significance. Last evaluated: 2025-05-05. Review status: criteria provided, single submitter. Criteria: GeneDx Variant Classification Process June 2021. Collection method: clinical testing. Allele origin: germline. Affected: yes.
Comment: In silico analysis suggests that this missense variant does not alter protein structure/function; Has not been previously published as pathogenic or benign to our knowledge

Fulgent Genetics
Classification: Uncertain significance for Junctional epidermolysis bullosa with pyloric atresia; Epidermolysis bullosa, junctional 5A, intermediate. Last evaluated: 2024-04-10. Review status: criteria provided, single submitter. Criteria: ACMG Guidelines, 2015. Collection method: clinical testing. Allele origin: germline.

Neuberg Centre For Genomic Medicine, NCGM
Classification: Uncertain significance for Junctional epidermolysis bullosa with pyloric atresia. Review status: criteria provided, single submitter. Criteria: ACMG Guidelines, 2015. Collection method: clinical testing. Allele origin: germline. Inheritance: Autosomal recessive inheritance. Affected: yes.
Comment: The missense variant p.Thr1455Ile in ITGB4 (NM_000213.5) has not been reported previously as a pathogenic variant nor as a benign variant, to our knowledge. The p.Thr1455Ile variant is observed in 11/30,616 (0.0359%) alleles from individuals of South Asian background in gnomAD Exomes and in 1/978 (0.1022%) alleles from individuals of South Asian background in 1000 Genomes. In silico tools predict the variant to be tolerated. The residue is conserved across species. The amino acid change p.Thr1455Ile in ITGB4 is predicted as conserved by GERP++ and PhyloP across 100 vertebrates. For these reasons, this variant has been classified as Uncertain Significance.

NM_000213.5(ITGB4):c.4364C>T (p.Thr1455Ile)

Genes: GALK1 (galactokinase 1; minus strand), ITGB4 (integrin subunit beta 4; plus strand). Cytogenetic location: 17q25.1.
Variant type: single nucleotide variant.
Coding change: c.4364C>T on transcript NM_000213.5 (MANE Select); coding-DNA position 4364, C replaced by T.
Protein change: p.Thr1455Ile; replaces threonine 1455 with isoleucine.
Molecular consequence: missense variant. On other transcripts: intron variant (1).
Genome position (GRCh38, 1-based): chr17:75,754,621, C>T. VCF-style: chr17-75754621-C-T. GRCh37 (hg19) VCF-style: chr17-73750702-C-T.
Other names: c.4154C>T, p.Thr1385Ile (NM_001005619.2, NM_001005731.3, NM_001321123.2 and 1 more transcripts); c.*23-2884G>A (NM_001381985.1); c.4364C>T (NM_000213.3); short protein forms T1455I, T1385I.
Identifiers: ClinVar variation 2585279 (VCV002585279.2), dbSNP rs554267559, ClinGen allele CA8770096.
Genomic context (GRCh38, chr17:75,754,621, plus strand): 5'-GCTCTCCCCCTGCAGAGCACCTGGTGAATGGCCGGATGGACTTTGCCTTCCCGGGCAGCA[C>T]CAACTCCCTGCACAGGATGACCACGACCAGTGCTGCTGCCTATGGCACCCACCTGAGCCC-3'
Protein context (NP_000204.3, residues 1445-1465): GRMDFAFPGS[Thr1455Ile]NSLHRMTTTS